The following is an entry in ClinVar:

NM_012253.4(TKTL1):c.1339A>G (p.Thr447Ala)

Gene: TKTL1 (transketolase like 1; plus strand). Cytogenetic location: Xq28.
Variant type: single nucleotide variant.
Coding change: c.1339A>G on transcript NM_012253.4 (MANE Select); coding-DNA position 1339, A replaced by G.
Protein change: p.Thr447Ala; replaces threonine 447 with alanine.
Molecular consequence: missense variant.
Genome position (GRCh38, 1-based): chrX:154,325,360, A>G. VCF-style: chrX-154325360-A-G. GRCh37 (hg19) VCF-style: chrX-153553706-A-G.
Other names: c.1321A>G, p.Thr441Ala (NM_001145933.2); c.1171A>G, p.Thr391Ala (NM_001145934.2); short protein forms T391A, T441A, T447A.
Identifiers: ClinVar variation 4865695 (VCV004865695.1).

ClinVar aggregate classification (germline): Uncertain significance (1 of 4 stars; one submission).

gnomAD v4.1: 6 of 1,211,627 alleles (0.0005%); highest among the groups gnomAD compares: African/African-American, 0.0017%; no homozygotes.

Submission:

Ambry Genetics
Classification: Uncertain significance. Last evaluated: 2026-05-10. Review status: criteria provided, single submitter. Criteria: Ambry Variant Classification Scheme 2023. Collection method: clinical testing. Allele origin: germline.
Comment: The c.1339A>G (p.T447A) alteration is located in exon 10 (coding exon 10) of the TKTL1 gene. This alteration results from a A to G substitution at nucleotide position 1339, causing the threonine (T) at amino acid position 447 to be replaced by an alanine (A). Based on data from gnomAD, the G allele has an overall frequency of <0.001% (1/183505) total alleles studied. The highest observed frequency was 0.001% (1/81951) of European (non-Finnish) alleles. Based on insufficient or conflicting evidence, the clinical significance of this alteration remains unclear.